The following is an entry in ClinVar:

NM_005120.3(MED12):c.2861T>G (p.Val954Gly)

Gene: MED12 (mediator complex subunit 12; plus strand). Cytogenetic location: Xq13.1.
Variant type: single nucleotide variant.
Coding change: c.2861T>G on transcript NM_005120.3 (MANE Select); coding-DNA position 2861, T replaced by G.
Protein change: p.Val954Gly; replaces valine 954 with glycine.
Molecular consequence: missense variant.
Genome position (GRCh38, 1-based): chrX:71,127,347, T>G. VCF-style: chrX-71127347-T-G. GRCh37 (hg19) VCF-style: chrX-70347197-T-G.
Other names: c.2861T>G (NM_005120.2); short protein forms V954G.
Identifiers: ClinVar variation 1210240 (VCV001210240.3), dbSNP rs2147799283, ClinGen allele CA413516424.

ClinVar aggregate classification (germline): Uncertain significance. Review status: criteria provided, single submitter (1 of 4 stars). 2 submissions from 2 submitters: Uncertain significance (1). 1 of the submissions does not count toward it. Last evaluated 2025-06-20.

Conditions:
FG syndrome 1 (OKS). Also called: OPITZ-KAVEGGIA SYNDROME; KELLER SYNDROME; MENTAL RETARDATION, LARGE HEAD, IMPERFORATE ANUS, CONGENITAL HYPOTONIA, AND PARTIAL AGENESIS OF CORPUS CALLOSUM; FG Syndrome Type 1 (FGS1). Identifiers: Orphanet 93932, MedGen C5399762, MONDO:0010590, OMIM 305450.
Familial thoracic aortic aneurysm and aortic dissection (TAAD). Also called: Thoracic aortic aneurysms and dissections. Identifiers: Orphanet 91387, MedGen C4707243, MONDO:0019625.

Submissions (2):

Ambry Genetics
Classification: Uncertain significance for Familial thoracic aortic aneurysm and aortic dissection. Last evaluated: 2025-06-20. Review status: criteria provided, single submitter. Criteria: Ambry Variant Classification Scheme 2023. Collection method: clinical testing. Allele origin: germline.
Comment: The c.2861T>G (p.V954G) alteration is located in exon 21 (coding exon 21) of the MED12 gene. This alteration results from a T to G substitution at nucleotide position 2861, causing the valine (V) at amino acid position 954 to be replaced by a glycine (G). This variant was not reported in population-based cohorts in the Genome Aggregation Database (gnomAD). This variant was identified in one or more individuals with features consistent with MED12-related disorder and segregated with disease in at least one family (Charzewska, 2018). This missense alteration is located in a region that has a low rate of benign missense variation (Lek, 2016; Firth, 2009). This alteration is predicted to be deleterious by in silico analysis. Based on insufficient or conflicting evidence, the clinical significance of this alteration remains unclear.

GeneReviews
No classification provided. Condition: FG syndrome. Review status: no classification provided. Collection method: literature only. Allele origin: germline. Not counted in ClinVar's aggregate classification.
Comment: Reported in male sibs with nonspecific intellectual disability

Literature cited by the submitters: PubMed 30006928 (cited by Ambry Genetics and GeneReviews); PubMed 20301719 (cited by GeneReviews).